The following is an entry in ClinVar:

NC_000023.10:g.(?_32632400)_(32663289_?)dup

Gene: DMD (dystrophin; minus strand). Cytogenetic location: Xp21.1.
Variant type: Duplication.
Identifiers: ClinVar variation 3242787 (VCV003242787.1).

ClinVar aggregate classification (germline): Uncertain significance (1 of 4 stars; one submission).

Conditions:
Duchenne muscular dystrophy (DMD). Also called: MUSCULAR DYSTROPHY, PSEUDOHYPERTROPHIC PROGRESSIVE, DUCHENNE TYPE; Duchenne Muscular Dystrophy (DMD). Identifiers: Orphanet 98896, MedGen C0013264, MONDO:0010679, OMIM 310200.

Submission:

Labcorp Genetics (formerly Invitae), Labcorp
Classification: Uncertain significance for Duchenne muscular dystrophy. Last evaluated: 2023-07-13. Review status: criteria provided, single submitter. Criteria: Invitae Variant Classification Sherloc (09022015). Collection method: clinical testing. Allele origin: unknown.
Comment: This variant results in a copy number gain of the genomic region encompassing exon(s) 10-12 of the DMD gene. While the exact position of this variant cannot be determined from the data, sub-genic copy number gains are generally in tandem (PMID: 25640679). This variant is predicted to be in-frame, and likely preserves the integrity of the reading frame. A similar copy number variant has been observed in individual(s) with Becker muscular dystrophy (PMID: 31705731). Experimental studies and prediction algorithms are not available or were not evaluated, and the functional significance of this variant is currently unknown. In summary, the available evidence is currently insufficient to determine the role of this variant in disease. Therefore, it has been classified as a Variant of Uncertain Significance.

Literature cited by the submitters: PubMed 25640679; PubMed 31705731.